The following is an entry in ClinVar:

NM_015021.3(ZNF292):c.3990del (p.Phe1330fs)

Gene: ZNF292 (zinc finger protein 292; plus strand). Cytogenetic location: 6q14.3.
Variant type: Deletion.
Coding change: c.3990del on transcript NM_015021.3 (MANE Select); coding-DNA position 3990, one base deleted (C; older notation c.3990delC).
Protein change: p.Phe1330fs; shifts the reading frame from phenylalanine 1330.
Molecular consequence: frameshift variant.
Genome position (GRCh38, 1-based): chr6:87,257,619, C deleted. VCF-style (leftmost placement, unchanged base first): chr6-87257618-TC-T. GRCh37 (hg19) VCF-style: chr6-87967336-TC-T.
Other names: c.3570del, p.Phe1190fs (NM_001351444.2); short protein forms F1190fs, F1330fs.
Identifiers: ClinVar variation 2478892 (VCV002478892.2), dbSNP rs2482321726, ClinGen allele CA2580075944.

ClinVar aggregate classification (germline): Pathogenic (1 of 4 stars; one submission).

Conditions:
Inborn genetic diseases. Identifiers: MedGen C0950123, MeSH D030342.

Submission:

Ambry Genetics
Classification: Pathogenic for Inborn genetic diseases. Last evaluated: 2023-03-01. Review status: criteria provided, single submitter. Criteria: Ambry Variant Classification Scheme 2023. Collection method: clinical testing. Allele origin: germline.
Comment: The c.3990delC (p.F1330Lfs*96) alteration, located in exon 8 (coding exon 8) of the ZNF292 gene, consists of a deletion of one nucleotide at position 3990, causing a translational frameshift with a predicted alternate stop codon after 96 amino acids. This alteration occurs at the 3' terminus of the ZNF292 gene, is not expected to trigger nonsense-mediated mRNA decay, and impacts the last ~50% of the protein. Premature stop codons are typically deleterious in nature, the impacted region is critical for protein function, and a significant portion of the protein is affected (Ambry internal data). This variant was not reported in population-based cohorts in the Genome Aggregation Database (gnomAD). Based on the available evidence, this alteration is classified as pathogenic.